The following is an entry in ClinVar:

NM_001204182.2(NEK2):c.1112-8del

Gene: NEK2 (NIMA related kinase 2; minus strand). Cytogenetic location: 1q32.3.
Variant type: Deletion.
Coding change: c.1112-8del on transcript NM_001204182.2; 8 bases into the intron before coding-DNA position 1112, one base deleted (T; older notation c.1112-8delT).
Molecular consequence: intron variant.
Genome position (GRCh38, 1-based): chr1:211,658,720, A deleted on the plus strand (T on the coding strand, the reverse complement: NEK2 is on the minus strand); the first of 29 consecutive A bases (chr1:211,658,720-211,658,748); deleting any one gives the same sequence. VCF-style (leftmost placement, unchanged base first): chr1-211658719-CA-C. GRCh37 (hg19) VCF-style: chr1-211832061-CA-C.
Identifiers: ClinVar variation 4979508 (VCV004979508.1).

ClinVar aggregate classification (germline): Likely benign (1 of 4 stars; one submission).

Conditions:
NEK2-related disorder. Also called: NEK2-related condition.

Submission:

PreventionGenetics, part of Exact Sciences
Classification: Likely benign for NEK2-related condition. Last evaluated: 2026-09-23. Review status: criteria provided, single submitter. Criteria: ACMG Guidelines, 2015. Collection method: clinical testing. Allele origin: germline.
Comment: This variant is classified as likely benign based on ACMG/AMP sequence variant interpretation guidelines (Richards et al. 2015 PMID: 25741868, with internal and published modifications).